The following is an entry in ClinVar:

NM_007194.4(CHEK2):c.1574G>T (p.Gly525Val)

Gene: CHEK2 (checkpoint kinase 2; minus strand). Cytogenetic location: 22q12.1.
Variant type: single nucleotide variant.
Coding change: c.1574G>T on transcript NM_007194.4 (MANE Select); coding-DNA position 1574, G replaced by T.
Protein change: p.Gly525Val; replaces glycine 525 with valine.
Molecular consequence: missense variant.
Genome position (GRCh38, 1-based): chr22:28,687,955, C>A on the plus strand (G>T on the coding strand, the complement: CHEK2 is on the minus strand). VCF-style: chr22-28687955-C-A. GRCh37 (hg19) VCF-style: chr22-29083943-C-A.
Other names: c.1703G>T, p.Gly568Val (NM_001005735.3); c.911G>T, p.Gly304Val (NM_001257387.3); c.1373G>T, p.Gly458Val (NM_001349956.3); c.1487G>T, p.Gly496Val (NM_145862.3); short protein forms G458V, G496V, G568V, G304V, G525V.
Identifiers: ClinVar variation 3492204 (VCV003492204.4).

ClinVar aggregate classification (germline): Uncertain significance. Review status: criteria provided, multiple submitters, no conflicts (2 of 4 stars). 3 submissions from 3 submitters: Uncertain significance (3). Last evaluated 2025-04-30.

Conditions:
Hereditary cancer-predisposing syndrome. Also called: Tumor predisposition; Neoplastic Syndromes, Hereditary; Hereditary Cancer Syndrome; Hereditary neoplastic syndrome. Identifiers: Orphanet 140162, MedGen C0027672, MeSH D009386, MONDO:0015356.

Submissions (3):

Dasa
Classification: Uncertain significance. Last evaluated: 2025-04-30. Review status: criteria provided, single submitter. Criteria: DASA Assertion Criteria. Collection method: clinical testing. Allele origin: germline.
Comment: NM_007194.4(CHEK2):c.1574G>T (p.Gly525Val) is a missense variant that results in the substitution of glycine with valine. This variant is absent from population databases. The currently available literature and clinical evidence are not sufficient to establish a definitive association between this variant and the reported condition. Therefore, this variant is classified as a variant of uncertain significance.

Ambry Genetics
Classification: Uncertain significance for Hereditary cancer-predisposing syndrome. Last evaluated: 2024-11-15. Review status: criteria provided, single submitter. Criteria: Ambry Variant Classification Scheme 2023. Collection method: clinical testing. Allele origin: germline.
Comment: The p.G525V variant (also known as c.1574G>T), located in coding exon 14 of the CHEK2 gene, results from a G to T substitution at nucleotide position 1574. The glycine at codon 525 is replaced by valine, an amino acid with dissimilar properties. This amino acid position is conserved. In addition, this alteration is predicted to be tolerated by in silico analysis. Based on the available evidence, the clinical significance of this variant remains unclear.

Blueprint Genetics
Classification: Uncertain significance. Last evaluated: 2024-10-17. Review status: criteria provided, single submitter. Criteria: ACMG Guidelines, 2015. Collection method: clinical testing. Allele origin: germline.